The following is an entry in ClinVar:

ClinVar aggregate classification (germline): Uncertain significance (1 of 4 stars; one submission).

Allele frequency attached by ClinVar (database versions not stated): gnomAD exomes below 0.00001 and 0.00003; gnomAD 0.00001 and 0.00002; TOPMed 0.00002.

Submission:

Labcorp Genetics (formerly Invitae), Labcorp
Classification: Uncertain significance. Last evaluated: 2025-10-20. Review status: criteria provided, single submitter. Criteria: Invitae Variant Classification Sherloc (09022015). Collection method: clinical testing. Allele origin: germline.
Comment: This sequence change replaces serine, which is neutral and polar, with cysteine, which is neutral and slightly polar, at codon 697 of the PLEKHM2 protein (p.Ser697Cys). This variant is present in population databases (no rsID available, gnomAD 0.0009%). This variant has not been reported in the literature in individuals affected with PLEKHM2-related conditions. ClinVar contains an entry for this variant (Variation ID: 544348). An algorithm developed to predict the effect of missense changes on protein structure and function (PolyPhen-2) suggests that this variant is likely to be disruptive. In summary, the available evidence is currently insufficient to determine the role of this variant in disease. Therefore, it has been classified as a Variant of Uncertain Significance.

NM_015164.4(PLEKHM2):c.2090C>G (p.Ser697Cys)

Gene: PLEKHM2 (pleckstrin homology and RUN domain containing M2; plus strand). Cytogenetic location: 1p36.21.
Variant type: single nucleotide variant.
Coding change: c.2090C>G on transcript NM_015164.4 (MANE Select); coding-DNA position 2090, C replaced by G.
Protein change: p.Ser697Cys; replaces serine 697 with cysteine.
Molecular consequence: missense variant.
Genome position (GRCh38, 1-based): chr1:15,729,811, C>G. VCF-style: chr1-15729811-C-G. GRCh37 (hg19) VCF-style: chr1-16056306-C-G.
Other names: short protein forms S697C.
Identifiers: ClinVar variation 544348 (VCV000544348.8), dbSNP rs1476472457, ClinGen allele CA338569885.